The following is an entry in ClinVar:

NM_002860.4(ALDH18A1):c.1314C>T (p.Ile438=)

Gene: ALDH18A1 (aldehyde dehydrogenase 18 family member A1; minus strand). Cytogenetic location: 10q24.1.
Variant type: single nucleotide variant.
Coding change: c.1314C>T on transcript NM_002860.4 (MANE Select); coding-DNA position 1314, C replaced by T.
Protein change: p.Ile438=; no amino-acid change (isoleucine 438 retained).
Molecular consequence: synonymous variant.
Genome position (GRCh38, 1-based): chr10:95,621,184, G>A on the plus strand (C>T on the coding strand, the complement: ALDH18A1 is on the minus strand). VCF-style: chr10-95621184-G-A. GRCh37 (hg19) VCF-style: chr10-97380941-G-A.
Other names: p.Ile438=; c.1308C>T, p.Ile436= (NM_001017423.2, NM_001323415.2); c.981C>T, p.Ile327= (NM_001323412.2, NM_001323416.2); c.1314C>T, p.Ile438= (NM_001323413.2, NM_001323414.2); c.1209C>T, p.Ile403= (NM_001323417.2); c.975C>T, p.Ile325= (NM_001323418.2); c.678C>T, p.Ile226= (NM_001323419.2).
Identifiers: ClinVar variation 444231 (VCV000444231.92), dbSNP rs150526956, ClinGen allele CA5620353.

ClinVar aggregate classification (germline): Conflicting classifications of pathogenicity. Review status: criteria provided, conflicting classifications (1 of 4 stars). 7 submissions from 7 submitters: Uncertain significance (1); Likely benign (5). 1 of the submissions does not count toward it. Last evaluated 2026-05-01.

Conditions:
Autosomal dominant spastic paraplegia type 9. Identifiers: MedGen C1832669, MONDO:0015091.
Cutis laxa, autosomal dominant 3 (ADCL3). Identifiers: Orphanet 90348, MedGen C4225268, MONDO:0014706, OMIM 616603.
de Barsy syndrome. Also called: Cutis laxa-corneal clouding-oligophrenia syndrome. Identifiers: Orphanet 2962, MedGen C0268354, MONDO:0017569.
ALDH18A1-related disorder. Also called: ALDH18A1-related disorders.
ALDH18A1-related de Barsy syndrome. Also called: Cutis laxa, autosomal recessive IIIA; DE BARSY SYNDROME A. Identifiers: Orphanet 2962, Orphanet 35664, MedGen C5234852, MONDO:0009053, OMIM 219150.

Allele frequency attached by ClinVar (database versions not stated): 1000 Genomes Project 30x 0.00016; 1000 Genomes Project 0.00020; ESP Exome Variant Server 0.00023; ExAC 0.00026; TOPMed 0.00028; gnomAD exomes 0.00029; gnomAD 0.00039 and 0.00042.
gnomAD v4.1: 473 of 1,614,108 alleles (0.029%); highest among the groups gnomAD compares: Admixed American, 0.065%; no homozygotes.

Submissions (7):

CeGaT Center for Human Genetics Tuebingen
Classification: Likely benign. Last evaluated: 2026-05-01. Review status: criteria provided, single submitter. Criteria: CeGaT Center For Human Genetics Tuebingen Variant Classification Criteria Version 2. Collection method: clinical testing. Allele origin: germline. Affected: yes. Observed: 3 variant alleles.
Comment: ALDH18A1: BP4, BP7

Labcorp Genetics (formerly Invitae), Labcorp
Classification: Likely benign for Autosomal dominant spastic paraplegia type 9; de Barsy syndrome; Cutis laxa, autosomal dominant 3. Last evaluated: 2025-12-31. Review status: criteria provided, single submitter. Criteria: Invitae Variant Classification Sherloc (09022015). Collection method: clinical testing. Allele origin: germline.

Mayo Clinic Laboratories, Mayo Clinic
Classification: Likely benign. Last evaluated: 2024-12-24. Review status: criteria provided, single submitter. Criteria: ACMG Guidelines, 2015. Collection method: clinical testing. Allele origin: germline. Observed: 1 variant allele.
Comment: BP4, BP7

Blueprint Genetics
Classification: Likely benign. Last evaluated: 2024-09-02. Review status: criteria provided, single submitter. Criteria: ACMG Guidelines, 2015. Collection method: clinical testing. Allele origin: germline.

GeneDx
Classification: Likely benign. Last evaluated: 2020-05-11. Review status: criteria provided, single submitter. Criteria: GeneDx Variant Classification Process June 2021. Collection method: clinical testing. Allele origin: germline. Affected: yes.

Illumina Laboratory Services, Illumina
Classification: Uncertain significance for ALDH18A1-related de Barsy syndrome. Last evaluated: 2018-01-13. Review status: criteria provided, single submitter. Criteria: ICSL Variant Classification Criteria 13 December 2019. Collection method: clinical testing. Allele origin: germline.

PreventionGenetics, part of Exact Sciences
Classification: Likely benign for ALDH18A1-related condition. Last evaluated: 2019-06-11. Review status: no assertion criteria provided. Collection method: clinical testing. Allele origin: germline. Not counted in ClinVar's aggregate classification.
Comment: This variant is classified as likely benign based on ACMG/AMP sequence variant interpretation guidelines (Richards et al. 2015 PMID: 25741868, with internal and published modifications).